The following is an entry in ClinVar:

ClinVar aggregate classification (germline): Uncertain significance (1 of 4 stars; one submission).

Conditions:
Pityriasis rubra pilaris (PRP). Also called: Pityriasis rubra pilaris--familial type. Identifiers: Orphanet 2897, MedGen C0032027, MONDO:0100017, OMIM 173200, MONDO:0008251.
Psoriasis 2. Identifiers: MedGen C1864497, MONDO:0011269, OMIM 602723.

Allele frequency attached by ClinVar (database versions not stated): gnomAD exomes below 0.00001.
gnomAD v4.1: 1 of 1,613,978 alleles (0.000062%); highest among the groups gnomAD compares: Non-Finnish European, 0.000085%; no homozygotes.

Submission:

Labcorp Genetics (formerly Invitae), Labcorp
Classification: Uncertain significance for Pityriasis rubra pilaris; Psoriasis 2. Last evaluated: 2023-08-14. Review status: criteria provided, single submitter. Criteria: Invitae Variant Classification Sherloc (09022015). Collection method: clinical testing. Allele origin: germline.
Comment: This sequence change replaces proline, which is neutral and non-polar, with serine, which is neutral and polar, at codon 625 of the CARD14 protein (p.Pro625Ser). This variant is not present in population databases (gnomAD no frequency). This variant has not been reported in the literature in individuals affected with CARD14-related conditions. ClinVar contains an entry for this variant (Variation ID: 1014025). Advanced modeling of protein sequence and biophysical properties (such as structural, functional, and spatial information, amino acid conservation, physicochemical variation, residue mobility, and thermodynamic stability) has been performed at Invitae for this missense variant, however the output from this modeling did not meet the statistical confidence thresholds required to predict the impact of this variant on CARD14 protein function. In summary, the available evidence is currently insufficient to determine the role of this variant in disease. Therefore, it has been classified as a Variant of Uncertain Significance.

NM_001366385.1(CARD14):c.1873C>T (p.Pro625Ser)

Genes: CARD14 (caspase recruitment domain family member 14; plus strand), SGSH (N-sulfoglucosamine sulfohydrolase; minus strand). Cytogenetic location: 17q25.3.
Variant type: single nucleotide variant.
Coding change: c.1873C>T on transcript NM_001366385.1 (MANE Select); coding-DNA position 1873, C replaced by T.
Protein change: p.Pro625Ser; replaces proline 625 with serine.
Molecular consequence: missense variant. On other transcripts: non-coding transcript variant (1).
Genome position (GRCh38, 1-based): chr17:80,201,765, C>T. VCF-style: chr17-80201765-C-T. GRCh37 (hg19) VCF-style: chr17-78175564-C-T.
Other names: c.1873C>T, p.Pro625Ser (NM_001257970.1, NM_024110.4); short protein forms P625S.
Identifiers: ClinVar variation 1014025 (VCV001014025.10), dbSNP rs2040988522, ClinGen allele CA401352396.